The following is an entry in ClinVar:

NM_000391.4(TPP1):c.1186C>A (p.Pro396Thr)

Gene: TPP1 (tripeptidyl peptidase 1; minus strand). Cytogenetic location: 11p15.4.
Variant type: single nucleotide variant.
Coding change: c.1186C>A on transcript NM_000391.4 (MANE Select); coding-DNA position 1186, C replaced by A.
Protein change: p.Pro396Thr; replaces proline 396 with threonine.
Molecular consequence: missense variant.
Genome position (GRCh38, 1-based): chr11:6,615,522, G>T on the plus strand (C>A on the coding strand, the complement: TPP1 is on the minus strand). VCF-style: chr11-6615522-G-T. GRCh37 (hg19) VCF-style: chr11-6636753-G-T.
Other names: short protein forms P396T.
Identifiers: ClinVar variation 1387157 (VCV001387157.5), dbSNP rs766934252, ClinGen allele CA5858709.

ClinVar aggregate classification (germline): Uncertain significance (1 of 4 stars; one submission).

gnomAD v4.1: 3 of 1,614,204 alleles (0.00019%); highest among the groups gnomAD compares: Non-Finnish European, 0.00025%; no homozygotes.

Submission:

Labcorp Genetics (formerly Invitae), Labcorp
Classification: Uncertain significance. Last evaluated: 2022-06-13. Review status: criteria provided, single submitter. Criteria: Invitae Variant Classification Sherloc (09022015). Collection method: clinical testing. Allele origin: germline.
Comment: This sequence change replaces proline, which is neutral and non-polar, with threonine, which is neutral and polar, at codon 396 of the TPP1 protein (p.Pro396Thr). This variant is present in population databases (rs766934252, gnomAD 0.006%). This variant has not been reported in the literature in individuals affected with TPP1-related conditions. Advanced modeling of protein sequence and biophysical properties (such as structural, functional, and spatial information, amino acid conservation, physicochemical variation, residue mobility, and thermodynamic stability) performed at Invitae indicates that this missense variant is expected to disrupt TPP1 protein function. In summary, the available evidence is currently insufficient to determine the role of this variant in disease. Therefore, it has been classified as a Variant of Uncertain Significance.